The following is an entry in ClinVar:

NM_206965.2(FTCD):c.1302C>T (p.Asp434=)

Gene: FTCD (formimidoyltransferase cyclodeaminase; minus strand). Cytogenetic location: 21q22.3.
Variant type: single nucleotide variant.
Coding change: c.1302C>T on transcript NM_206965.2 (MANE Select); coding-DNA position 1302, C replaced by T.
Protein change: p.Asp434=; no amino-acid change (aspartic acid 434 retained).
Molecular consequence: synonymous variant.
Genome position (GRCh38, 1-based): chr21:46,138,882, G>A on the plus strand (C>T on the coding strand, the complement: FTCD is on the minus strand). VCF-style: chr21-46138882-G-A. GRCh37 (hg19) VCF-style: chr21-47558796-G-A.
Other names: c.1302C>T, p.Asp434= (NM_001320412.2, NM_006657.3); c.1302C>T (NM_001320412.1).
Identifiers: ClinVar variation 2705862 (VCV002705862.4), dbSNP rs566814523, ClinGen allele CA10073531.

ClinVar aggregate classification (germline): Likely benign. Review status: criteria provided, single submitter (1 of 4 stars). 2 submissions from 2 submitters: Likely benign (1). 1 of the submissions does not count toward it. Last evaluated 2024-12-05.

Conditions:
FTCD-related disorder. Also called: FTCD-related condition.
Glutamate formiminotransferase deficiency. Also called: Arakawa syndrome 1; Formiminoglutamic aciduria. Identifiers: Orphanet 51208, MedGen C0268609, MONDO:0009240, OMIM 229100.

Allele frequency attached by ClinVar (database versions not stated): gnomAD 0.00002; TOPMed 0.00006; ExAC 0.00008; 1000 Genomes Project 30x 0.00016; 1000 Genomes Project 0.00020.
gnomAD v4.1: 62 of 1,612,140 alleles (0.0038%); highest among the groups gnomAD compares: East Asian, 0.071%; no homozygotes.

Submissions (2):

Labcorp Genetics (formerly Invitae), Labcorp
Classification: Likely benign for Glutamate formiminotransferase deficiency. Last evaluated: 2024-12-05. Review status: criteria provided, single submitter. Criteria: Invitae Variant Classification Sherloc (09022015). Collection method: clinical testing. Allele origin: germline.

PreventionGenetics, part of Exact Sciences
Classification: Likely benign for FTCD-related condition. Last evaluated: 2019-08-22. Review status: no assertion criteria provided. Collection method: clinical testing. Allele origin: germline. Not counted in ClinVar's aggregate classification.
Comment: This variant is classified as likely benign based on ACMG/AMP sequence variant interpretation guidelines (Richards et al. 2015 PMID: 25741868, with internal and published modifications).